The following is an entry in ClinVar:

ClinVar aggregate classification (germline): Uncertain significance (1 of 4 stars; one submission).

Conditions:
Hypertrophic cardiomyopathy. Also called: HYPERTROPHIC MYOCARDIOPATHY. Identifiers: Orphanet 217569, MedGen C0007194, MeSH D002312, MONDO:0005045, HP:0001639.

Submission:

Labcorp Genetics (formerly Invitae), Labcorp
Classification: Uncertain significance for Hypertrophic cardiomyopathy. Last evaluated: 2024-10-16. Review status: criteria provided, single submitter. Criteria: Invitae Variant Classification Sherloc (09022015). Collection method: clinical testing. Allele origin: germline.
Comment: This sequence change falls in intron 14 of the MYH7 gene. It does not directly change the encoded amino acid sequence of the MYH7 protein. This variant is not present in population databases (gnomAD no frequency). This variant has not been reported in the literature in individuals affected with MYH7-related conditions. Algorithms developed to predict the effect of sequence changes on RNA splicing suggest that this variant may disrupt the consensus splice site. In summary, the available evidence is currently insufficient to determine the role of this variant in disease. Therefore, it has been classified as a Variant of Uncertain Significance.

NM_000257.4(MYH7):c.1408-19C>G

Gene: MYH7 (myosin heavy chain 7; minus strand). Cytogenetic location: 14q11.2.
Variant type: single nucleotide variant.
Coding change: c.1408-19C>G on transcript NM_000257.4 (MANE Select); 19 bases into the intron before coding-DNA position 1408, C replaced by G.
Molecular consequence: intron variant.
Genome position (GRCh38, 1-based): chr14:23,428,689, G>C on the plus strand (C>G on the coding strand, the complement: MYH7 is on the minus strand). VCF-style: chr14-23428689-G-C. GRCh37 (hg19) VCF-style: chr14-23897898-G-C.
Other names: c.1408-19C>G (NM_001407004.1).
Identifiers: ClinVar variation 3723047 (VCV003723047.2).